The following is an entry in ClinVar:

NM_018685.5(ANLN):c.1765C>G (p.Gln589Glu)

Gene: ANLN (anillin, actin binding protein; plus strand). Cytogenetic location: 7p14.2.
Variant type: single nucleotide variant.
Coding change: c.1765C>G on transcript NM_018685.5 (MANE Select); coding-DNA position 1765, C replaced by G.
Protein change: p.Gln589Glu; replaces glutamine 589 with glutamic acid.
Molecular consequence: missense variant.
Genome position (GRCh38, 1-based): chr7:36,419,375, C>G. VCF-style: chr7-36419375-C-G. GRCh37 (hg19) VCF-style: chr7-36458984-C-G.
Other names: c.1654C>G, p.Gln552Glu (NM_001284301.3); c.1651C>G, p.Gln551Glu (NM_001284302.3); short protein forms Q551E, Q552E, Q589E.
Identifiers: ClinVar variation 1397715 (VCV001397715.8), dbSNP rs200214341, ClinGen allele CA4219695.

ClinVar aggregate classification (germline): Uncertain significance (1 of 4 stars; one submission).

Allele frequency attached by ClinVar (database versions not stated): gnomAD exomes 0.00001; ExAC 0.00002.
gnomAD v4.1: 3 of 1,614,040 alleles (0.00019%); highest among the groups gnomAD compares: Non-Finnish European, 0.00025%; no homozygotes.

Submission:

Labcorp Genetics (formerly Invitae), Labcorp
Classification: Uncertain significance. Last evaluated: 2022-03-02. Review status: criteria provided, single submitter. Criteria: Invitae Variant Classification Sherloc (09022015). Collection method: clinical testing. Allele origin: germline.
Comment: Algorithms developed to predict the effect of missense changes on protein structure and function output the following: SIFT: "Tolerated"; PolyPhen-2: "Benign"; Align-GVGD: "Class C0". The glutamic acid amino acid residue is found in multiple mammalian species, which suggests that this missense change does not adversely affect protein function. In summary, the available evidence is currently insufficient to determine the role of this variant in disease. Therefore, it has been classified as a Variant of Uncertain Significance. This variant has not been reported in the literature in individuals affected with ANLN-related conditions. This variant is present in population databases (rs200214341, gnomAD 0.002%). This sequence change replaces glutamine, which is neutral and polar, with glutamic acid, which is acidic and polar, at codon 589 of the ANLN protein (p.Gln589Glu).